The following is an entry in ClinVar:

NM_000051.4(ATM):c.6878T>A (p.Leu2293Gln)

Genes: ATM (ATM serine/threonine kinase; plus strand), C11orf65 (chromosome 11 open reading frame 65; minus strand). Cytogenetic location: 11q22.3.
Variant type: single nucleotide variant.
Coding change: c.6878T>A on transcript NM_000051.4 (MANE Select); coding-DNA position 6878, T replaced by A.
Protein change: p.Leu2293Gln; replaces leucine 2293 with glutamine.
Molecular consequence: missense variant. On other transcripts: intron variant (2).
Genome position (GRCh38, 1-based): chr11:108,326,128, T>A. VCF-style: chr11-108326128-T-A. GRCh37 (hg19) VCF-style: chr11-108196855-T-A.
Other names: c.6878T>A, p.Leu2293Gln (NM_001351834.2); c.641-17057A>T (NM_001330368.2); c.*38+9092A>T (NM_001351110.2); short protein forms L2293Q.
Identifiers: ClinVar variation 1755907 (VCV001755907.5), dbSNP rs1450429233, ClinGen allele CA382556805.

ClinVar aggregate classification (germline): Uncertain significance. Review status: criteria provided, multiple submitters, no conflicts (2 of 4 stars). 2 submissions from 2 submitters: Uncertain significance (2). Last evaluated 2024-01-24.

Conditions:
Ataxia-telangiectasia syndrome (AT). Also called: Ataxia telangiectasia (A-T); LOUIS-BAR SYNDROME; Cerebello-oculocutaneous telangiectasia; Immunodeficiency with ataxia telangiectasia; Ataxia-telangiectasia, complementation group D; AT, COMPLEMENTATION GROUP C. Identifiers: Orphanet 100, MedGen C0004135, MONDO:0008840, OMIM 208900.
Hereditary cancer-predisposing syndrome. Also called: Hereditary neoplastic syndrome; Neoplastic Syndromes, Hereditary; Tumor predisposition; Hereditary Cancer Syndrome. Identifiers: Orphanet 140162, MedGen C0027672, MeSH D009386, MONDO:0015356.

Submissions (2):

Labcorp Genetics (formerly Invitae), Labcorp
Classification: Uncertain significance for Ataxia-telangiectasia syndrome. Last evaluated: 2024-01-24. Review status: criteria provided, single submitter. Criteria: Invitae Variant Classification Sherloc (09022015). Collection method: clinical testing. Allele origin: germline.
Comment: This sequence change replaces leucine, which is neutral and non-polar, with glutamine, which is neutral and polar, at codon 2293 of the ATM protein (p.Leu2293Gln). This variant is not present in population databases (gnomAD no frequency). This variant has not been reported in the literature in individuals affected with ATM-related conditions. ClinVar contains an entry for this variant (Variation ID: 1755907). An algorithm developed to predict the effect of missense changes on protein structure and function (PolyPhen-2) suggests that this variant is likely to be disruptive. In summary, the available evidence is currently insufficient to determine the role of this variant in disease. Therefore, it has been classified as a Variant of Uncertain Significance.

Ambry Genetics
Classification: Uncertain significance for Hereditary cancer-predisposing syndrome. Last evaluated: 2021-11-11. Review status: criteria provided, single submitter. Criteria: Ambry Variant Classification Scheme 2023. Collection method: clinical testing. Allele origin: germline.
Comment: The p.L2293Q variant (also known as c.6878T>A), located in coding exon 46 of the ATM gene, results from a T to A substitution at nucleotide position 6878. The leucine at codon 2293 is replaced by glutamine, an amino acid with dissimilar properties. This amino acid position is highly conserved in available vertebrate species. In addition, this alteration is predicted to be deleterious by in silico analysis. Since supporting evidence is limited at this time, the clinical significance of this alteration remains unclear.